The following is an entry in ClinVar:

ClinVar aggregate classification (germline): Uncertain significance. Review status: criteria provided, multiple submitters, no conflicts (2 of 4 stars). 3 submissions from 3 submitters: Uncertain significance (3). Last evaluated 2025-08-01.

Conditions:
Early-onset Parkinson disease 20. Also called: PARKINSON DISEASE 20, AUTOSOMAL RECESSIVE EARLY-ONSET. Identifiers: Orphanet 391411, MedGen C3809824, MONDO:0014233, OMIM 615530.
Developmental and epileptic encephalopathy, 53. Also called: Epileptic encephalopathy, early infantile, 53. Identifiers: MedGen C4479313, MONDO:0033362, OMIM 617389.
Inborn genetic diseases. Identifiers: MedGen C0950123, MeSH D030342.

Allele frequency attached by ClinVar (database versions not stated): ExAC 0.00001; gnomAD 0.00001; gnomAD exomes 0.00001.
gnomAD v4.1: 5 of 1,530,990 alleles (0.00033%); highest among the groups gnomAD compares: South Asian, 0.0025%; no homozygotes.

Submissions (3):

CeGaT Center for Human Genetics Tuebingen
Classification: Uncertain significance. Last evaluated: 2025-08-01. Review status: criteria provided, single submitter. Criteria: CeGaT Center For Human Genetics Tuebingen Variant Classification Criteria Version 2. Collection method: clinical testing. Allele origin: germline. Affected: yes. Observed: 1 variant allele.
Comment: SYNJ1: PM2, PP3

Ambry Genetics
Classification: Uncertain significance for Inborn genetic diseases. Last evaluated: 2023-12-11. Review status: criteria provided, single submitter. Criteria: Ambry Variant Classification Scheme 2023. Collection method: clinical testing. Allele origin: germline.

Labcorp Genetics (formerly Invitae), Labcorp
Classification: Uncertain significance for Developmental and epileptic encephalopathy, 53; Early-onset Parkinson disease 20. Last evaluated: 2021-08-27. Review status: criteria provided, single submitter. Criteria: Invitae Variant Classification Sherloc (09022015). Collection method: clinical testing. Allele origin: germline.
Comment: This sequence change replaces tyrosine with histidine at codon 332 of the SYNJ1 protein (p.Tyr332His). The tyrosine residue is highly conserved and there is a moderate physicochemical difference between tyrosine and histidine. This variant is present in population databases (rs763234456, ExAC 0.006%). This variant has not been reported in the literature in individuals affected with SYNJ1-related conditions. Algorithms developed to predict the effect of missense changes on protein structure and function (SIFT, PolyPhen-2, Align-GVGD) all suggest that this variant is likely to be disruptive. In summary, the available evidence is currently insufficient to determine the role of this variant in disease. Therefore, it has been classified as a Variant of Uncertain Significance.

NM_203446.3(SYNJ1):c.877T>C (p.Tyr293His)

Gene: SYNJ1 (synaptojanin 1; minus strand). Cytogenetic location: 21q22.11.
Variant type: single nucleotide variant.
Coding change: c.877T>C on transcript NM_203446.3 (MANE Select); coding-DNA position 877, T replaced by C.
Protein change: p.Tyr293His; replaces tyrosine 293 with histidine.
Molecular consequence: missense variant.
Genome position (GRCh38, 1-based): chr21:32,687,049, A>G on the plus strand (T>C on the coding strand, the complement: SYNJ1 is on the minus strand). VCF-style: chr21-32687049-A-G. GRCh37 (hg19) VCF-style: chr21-34059359-A-G.
Other names: c.877T>C, p.Tyr293His (NM_001160302.2, NM_001160306.2); c.994T>C, p.Tyr332His (NM_003895.4); short protein forms Y293H, Y332H.
Identifiers: ClinVar variation 1352007 (VCV001352007.14), dbSNP rs763234456, ClinGen allele CA10004011.